The following is an entry in ClinVar:

ClinVar aggregate classification (germline): Uncertain significance (1 of 4 stars; one submission).

Submission:

Women's Health and Genetics/Laboratory Corporation of America, LabCorp
Classification: Uncertain significance. Last evaluated: 2020-04-13. Review status: criteria provided, single submitter. Criteria: LabCorp Variant Classification Summary - May 2015. Collection method: clinical testing. Allele origin: germline.
Comment: Variant summary: SHOC2 c.284_351dup68 (p.Ser118ThrfsX28) results in a premature termination codon, predicted to cause a truncation of the encoded protein or absence of the protein due to nonsense mediated decay. The variant was absent in 250902 control chromosomes (gnomAD). The available data on variant occurrences in the general population are insufficient to allow any conclusion about variant significance. To our knowledge, no occurrence of c.284_351dup68 in individuals affected with Noonan Syndrome And Related Conditions and no experimental evidence demonstrating its impact on protein function have been reported. No clinical diagnostic laboratories have submitted clinical-significance assessments for this variant to ClinVar after 2014. Based on the evidence outlined above, the variant was classified as uncertain significance.

NM_007373.4(SHOC2):c.284_351dup (p.Ser118fs)

Gene: SHOC2 (SHOC2 leucine rich repeat scaffold protein; plus strand). Cytogenetic location: 10q25.2.
Variant type: Duplication.
Coding change: c.284_351dup on transcript NM_007373.4 (MANE Select); coding-DNA positions 284 to 351, 68 bases duplicated.
Protein change: p.Ser118fs; shifts the reading frame from serine 118.
Molecular consequence: frameshift variant.
Genome position (GRCh38, 1-based): chr10:110,964,642-110,964,709, 68 bases duplicated. GRCh37 (hg19): chr10:112,724,400-112,724,467.
Other names: c.284_351dup, p.Ser118fs (NM_001269039.3, NM_001324336.2, NM_001324337.2); short protein forms S118fs.
Identifiers: ClinVar variation 917781 (VCV000917781.1), dbSNP rs1847638431, ClinGen allele CA1139661685.